The following is an entry in ClinVar:

ClinVar aggregate classification (germline): Uncertain significance (1 of 4 stars; one submission).

Submission:

Greenwood Genetic Center Diagnostic Laboratories, Greenwood Genetic Center
Classification: Uncertain significance. Last evaluated: 2024-12-19. Review status: criteria provided, single submitter. Criteria: ACMG Guidelines, 2015. Collection method: clinical testing. Allele origin: germline. Affected: yes.
Comment: PM2

NM_001257291.2(SLC9A7):c.942_943dup (p.Phe315fs)

Gene: SLC9A7 (solute carrier family 9 member A7; minus strand). Cytogenetic location: Xp11.3.
Variant type: Duplication.
Coding change: c.942_943dup on transcript NM_001257291.2 (MANE Select); coding-DNA positions 942 to 943, 2 bases duplicated (CT; older notation c.942_943dupCT).
Protein change: p.Phe315fs; shifts the reading frame from phenylalanine 315.
Molecular consequence: frameshift variant.
Genome position (GRCh38, 1-based): chrX:46,662,114-46,662,115, AG duplicated on the plus strand (CT on the coding strand, the reverse complement: SLC9A7 is on the minus strand). VCF-style (leftmost placement, unchanged base first): chrX-46662113-A-AAG. GRCh37 (hg19) VCF-style: chrX-46521548-A-AAG.
Other names: c.942_943dup, p.Phe315fs (NM_032591.3); short protein forms F315fs.
Identifiers: ClinVar variation 3765835 (VCV003765835.1).